The following is an entry in ClinVar:

NM_004119.3(FLT3):c.680C>T (p.Thr227Met)

Gene: FLT3 (fms related receptor tyrosine kinase 3; minus strand). Cytogenetic location: 13q12.2.
Variant type: single nucleotide variant.
Coding change: c.680C>T on transcript NM_004119.3 (MANE Select); coding-DNA position 680, C replaced by T.
Protein change: p.Thr227Met; replaces threonine 227 with methionine.
Molecular consequence: missense variant. On other transcripts: non-coding transcript variant (1).
Genome position (GRCh38, 1-based): chr13:28,050,157, G>A on the plus strand (C>T on the coding strand, the complement: FLT3 is on the minus strand). VCF-style: chr13-28050157-G-A. GRCh37 (hg19) VCF-style: chr13-28624294-G-A.
Other names: short protein forms T227M.
Identifiers: ClinVar variation 134447 (VCV000134447.6), dbSNP rs1933437, ClinGen allele CA159846.

ClinVar aggregate classification (germline): Benign. Review status: criteria provided, multiple submitters, no conflicts (2 of 4 stars). 3 submissions from 3 submitters: Benign (2). 1 of the submissions does not count toward it. Last evaluated 2018-11-11.
ClinVar aggregate classification (oncogenicity): Benign (1 of 4 stars; one submission).

Conditions:
Neoplasm. Also called: Neoplasms; Neoplasm (disease); tumor. Identifiers: MedGen C0027651, MeSH D009369, MONDO:0005070, HP:0002664.

Allele frequency attached by ClinVar (database versions not stated): ESP Exome Variant Server 0.52291; TOPMed 0.52467; gnomAD 0.54324; 1000 Genomes Project 30x 0.55621; 1000 Genomes Project 0.55871; ExAC 0.59878; gnomAD exomes 0.60489.
gnomAD v4.1: 980,976 of 1,613,410 alleles (61%); highest among the groups gnomAD compares: East Asian, 76%; 302,489 homozygotes.

Submissions (4):

Center for Genomic Medicine, Rigshospitalet, Copenhagen University Hospital
Classification: Benign for Neoplasm. Last evaluated: 2025-03-04. Review status: criteria provided, single submitter. Criteria: ClinGen/CGC/VICC Guidelines for Oncogenicity, 2022. Collection method: clinical testing. Allele origin: somatic. Affected: yes.

GeneDx
Classification: Benign. Last evaluated: 2018-11-11. Review status: criteria provided, single submitter. Criteria: GeneDx Variant Classification Process June 2021. Collection method: clinical testing. Allele origin: germline. Affected: yes.

Breakthrough Genomics
Classification: Benign. Review status: criteria provided, single submitter. Criteria: ACMG Guidelines, 2015. Collection method: not provided. Allele origin: germline. Inheritance: Autosomal dominant inheritance. Affected: yes.

ITMI
No classification provided. Condition: AllHighlyPenetrant. Last evaluated: 2013-09-19. Review status: no classification provided. Collection method: reference population. Allele origin: germline. Not counted in ClinVar's aggregate classification.
Comment: Please see associated publication for description of ethnicities

Literature cited by the submitters: PubMed 24728327 (cited by ITMI).